The following is an entry in ClinVar:

NM_020435.4(GJC2):c.184G>C (p.Gly62Arg)

Gene: GJC2 (gap junction protein gamma 2; plus strand). Cytogenetic location: 1q42.13.
Variant type: single nucleotide variant.
Coding change: c.184G>C on transcript NM_020435.4 (MANE Select); coding-DNA position 184, G replaced by C.
Protein change: p.Gly62Arg; replaces glycine 62 with arginine.
Molecular consequence: missense variant.
Genome position (GRCh38, 1-based): chr1:228,157,942, G>C. VCF-style: chr1-228157942-G-C. GRCh37 (hg19) VCF-style: chr1-228345643-G-C.
Other names: short protein forms G62R.
Identifiers: ClinVar variation 3251968 (VCV003251968.1), dbSNP rs2527875432.
Genomic context (GRCh38, chr1:228,157,942, plus strand): 5'-GGCGGCGAGGCCATCTACTCGGACGAGCAGGCCAAGTTCACTTGCAACACGCGGCAGCCA[G>C]GCTGCGACAACGTCTGCTATGACGCCTTCGCGCCCCTGTCGCACGTGCGCTTCTGGGTCT-3'
Protein context (NP_065168.2, residues 52-72): AKFTCNTRQP[Gly62Arg]CDNVCYDAFA

ClinVar aggregate classification (germline): Uncertain significance (1 of 4 stars; one submission).

Conditions:
Hereditary spastic paraplegia 44. Also called: SPASTIC PARAPLEGIA 44, AUTOSOMAL RECESSIVE. Identifiers: Orphanet 320401, MedGen C2750784, MONDO:0013179, OMIM 613206.
Leukodystrophy, hypomyelinating, 2. Also called: PELIZAEUS-MERZBACHER-LIKE DISEASE, 1. Identifiers: Orphanet 280270, Orphanet 280282, MedGen C1837355, MONDO:0012125, OMIM 608804.

Submission:

Diagnostics Services (NGS), CSIR - Centre For Cellular And Molecular Biology
Classification: Uncertain significance for Leukodystrophy, hypomyelinating, 2; Hereditary spastic paraplegia 44. Last evaluated: 2024-03-21. Review status: criteria provided, single submitter. Criteria: ACMG Guidelines, 2015. Collection method: clinical testing. Allele origin: germline. Affected: yes. Observed: 1 variant allele, 1 homozygote.
Comment: The c.184G>C variant is not present in publicly available population databases like 1000 Genomes, EVS, ExAC, gnomAD, Indian Exome Database or our in-house exome database. This variant has neither been published in the literature in individuals with GJC2-related conditions nor reported to the clinical databases like Human Genome Mutation Database (HGMD), ClinVar or OMIM, in any affected individuals. In-silico pathogenicity prediction programs like SIFT, PolyPhen-2, MutationTaster2, CADD, etc predicted this variant to be likely deleterious however these predictions were not confirmed by published functional studies. This variant is located in a mutational hot spot region of the gene.